The following is an entry in ClinVar:

ClinVar aggregate classification (germline): Uncertain significance (1 of 4 stars; one submission).

Submission:

Labcorp Genetics (formerly Invitae), Labcorp
Classification: Uncertain significance. Last evaluated: 2025-11-04. Review status: criteria provided, single submitter. Criteria: Invitae Variant Classification Sherloc (09022015). Collection method: clinical testing. Allele origin: germline.
Comment: This sequence change replaces leucine, which is neutral and non-polar, with valine, which is neutral and non-polar, at codon 919 of the POLE protein (p.Leu919Val). This variant is not present in population databases (gnomAD no frequency). This variant has not been reported in the literature in individuals affected with POLE-related conditions. ClinVar contains an entry for this variant (Variation ID: 1993847). Invitae Evidence Modeling of protein sequence and biophysical properties (such as structural, functional, and spatial information, amino acid conservation, physicochemical variation, residue mobility, and thermodynamic stability) indicates that this missense variant is not expected to disrupt POLE protein function with a negative predictive value of 80%. In summary, the available evidence is currently insufficient to determine the role of this variant in disease. Therefore, it has been classified as a Variant of Uncertain Significance.

NM_006231.4(POLE):c.2755C>G (p.Leu919Val)

Gene: POLE (DNA polymerase epsilon, catalytic subunit; minus strand). Cytogenetic location: 12q24.33.
Variant type: single nucleotide variant.
Coding change: c.2755C>G on transcript NM_006231.4 (MANE Select); coding-DNA position 2755, C replaced by G.
Protein change: p.Leu919Val; replaces leucine 919 with valine.
Molecular consequence: missense variant.
Genome position (GRCh38, 1-based): chr12:132,661,636, G>C on the plus strand (C>G on the coding strand, the complement: POLE is on the minus strand). VCF-style: chr12-132661636-G-C. GRCh37 (hg19) VCF-style: chr12-133238222-G-C.
Other names: short protein forms L919V.
Identifiers: ClinVar variation 1993847 (VCV001993847.4), dbSNP rs2542048215, ClinGen allele CA387393909.